The following is an entry in ClinVar:

ClinVar aggregate classification (germline): Benign/Likely benign. Review status: criteria provided, multiple submitters, no conflicts (2 of 4 stars). 10 submissions from 10 submitters: Benign (4); Likely benign (3). 3 of the submissions do not count toward it. Last evaluated 2026-01-14.

Conditions:
SYNE2-related disorder. Also called: SYNE2-related condition.
Emery-Dreifuss muscular dystrophy 5, autosomal dominant (EDMD5). Also called: EMERY-DREIFUSS MUSCULAR DYSTROPHY 5. Identifiers: Orphanet 261, MedGen C2751805, MONDO:0013072, OMIM 612999.

Allele frequency attached by ClinVar (database versions not stated): 1000 Genomes Project 0.00140; 1000 Genomes Project 30x 0.00156; ESP Exome Variant Server 0.00192; gnomAD 0.00199; TOPMed 0.00223; ExAC 0.00232; gnomAD exomes 0.00301.
gnomAD v4.1: 4,720 of 1,614,132 alleles (0.29%); highest among the groups gnomAD compares: Middle Eastern, 1.5%; 9 homozygotes.

Submissions (18):

Labcorp Genetics (formerly Invitae), Labcorp
Classification: Benign for Emery-Dreifuss muscular dystrophy 5, autosomal dominant. Last evaluated: 2026-01-14. Review status: criteria provided, single submitter. Criteria: Invitae Variant Classification Sherloc (09022015). Collection method: clinical testing. Allele origin: germline.

CeGaT Center for Human Genetics Tuebingen
Classification: Benign. Last evaluated: 2025-04-01. Review status: criteria provided, single submitter. Criteria: CeGaT Center For Human Genetics Tuebingen Variant Classification Criteria Version 2. Collection method: clinical testing. Allele origin: germline. Affected: yes. Observed: 9 variant alleles.
Comment: SYNE2: BS1, BS2

Blueprint Genetics
Classification: Likely benign. Last evaluated: 2024-11-20. Review status: criteria provided, single submitter. Criteria: ACMG Guidelines, 2015. Collection method: clinical testing. Allele origin: germline.

Athena Diagnostics
Classification: Benign. Last evaluated: 2024-09-19. Review status: criteria provided, single submitter. Criteria: Athena Diagnostics Criteria. Collection method: clinical testing. Allele origin: unknown.

Illumina Laboratory Services, Illumina
Classification: Benign for Emery-Dreifuss muscular dystrophy 5, autosomal dominant. Last evaluated: 2018-01-13. Review status: criteria provided, single submitter. Criteria: ICSL Variant Classification Criteria 13 December 2019. Collection method: clinical testing. Allele origin: germline.
Comment: This variant was observed in the ICSL laboratory as part of a predisposition screen in an ostensibly healthy population. It had not been previously curated by ICSL or reported in the Human Gene Mutation Database (HGMD: prior to June 1st, 2018), and was therefore a candidate for classification through an automated scoring system. Utilizing variant allele frequency, disease prevalence and penetrance estimates, and inheritance mode, an automated score was calculated to assess if this variant is too frequent to cause the disease. Based on the score and internal cut-off values, a variant classified as benign is not then subjected to further curation. The score for this variant resulted in a classification of benign for this disease.

Eurofins Ntd Llc (ga)
Classification: Likely benign. Last evaluated: 2015-07-10. Review status: criteria provided, single submitter. Criteria: EGL Classification Definitions 2015. Collection method: clinical testing. Allele origin: germline. Observed: 3 variant alleles, 3 heterozygotes.

Breakthrough Genomics
Classification: Likely benign. Review status: criteria provided, single submitter. Criteria: ACMG Guidelines, 2015. Collection method: not provided. Allele origin: germline. Inheritance: Autosomal dominant inheritance. Affected: yes.

PreventionGenetics, part of Exact Sciences
Classification: Benign for SYNE2-related condition. Last evaluated: 2019-06-27. Review status: no assertion criteria provided. Collection method: clinical testing. Allele origin: germline. Not counted in ClinVar's aggregate classification.
Comment: This variant is classified as benign based on ACMG/AMP sequence variant interpretation guidelines (Richards et al. 2015 PMID: 25741868, with internal and published modifications).

Clinical Genetics DNA and cytogenetics Diagnostics Lab, Erasmus MC, Erasmus Medical Center
Classification: Likely benign. Review status: no assertion criteria provided. Collection method: clinical testing. Allele origin: germline. Affected: yes. Study: VKGL Data-share Consensus. Not counted in ClinVar's aggregate classification.

Dr. Peter K. Rogan Lab, Western University
No classification provided (evidence only). Condition: Clear cell carcinoma of kidney. Review status: no classification provided. Collection method: in vitro. Allele origin: not applicable. Functional consequence: skipped exon. Not counted in ClinVar's aggregate classification.

Dr. Peter K. Rogan Lab, Western University
No classification provided (evidence only). Condition: Familial cancer of breast. Review status: no classification provided. Collection method: in vitro. Allele origin: not applicable. Functional consequence: skipped exon, retained intron. Not counted in ClinVar's aggregate classification.

Dr. Peter K. Rogan Lab, Western University
No classification provided (evidence only). Condition: Colorectal cancer. Review status: no classification provided. Collection method: in vitro. Allele origin: not applicable. Functional consequence: retained intron. Not counted in ClinVar's aggregate classification.

Dr. Peter K. Rogan Lab, Western University
No classification provided (evidence only). Condition: Sarcoma. Review status: no classification provided. Collection method: in vitro. Allele origin: not applicable. Functional consequence: retained intron. Not counted in ClinVar's aggregate classification.

Dr. Peter K. Rogan Lab, Western University
No classification provided (evidence only). Condition: Nonpapillary renal cell carcinoma. Review status: no classification provided. Collection method: in vitro. Allele origin: not applicable. Functional consequence: skipped exon. Not counted in ClinVar's aggregate classification.

Dr. Peter K. Rogan Lab, Western University
No classification provided (evidence only). Condition: Gastric cancer. Review status: no classification provided. Collection method: in vitro. Allele origin: not applicable. Functional consequence: retained intron. Not counted in ClinVar's aggregate classification.

Dr. Peter K. Rogan Lab, Western University
No classification provided (evidence only). Condition: Malignant tumor of esophagus. Review status: no classification provided. Collection method: in vitro. Allele origin: not applicable. Functional consequence: retained intron. Not counted in ClinVar's aggregate classification.

Dr. Peter K. Rogan Lab, Western University
No classification provided (evidence only). Condition: Malignant tumor of esophagus. Review status: no classification provided. Collection method: in vitro. Allele origin: not applicable. Functional consequence: retained intron. Not counted in ClinVar's aggregate classification.

Genome Diagnostics Laboratory, University Medical Center Utrecht
Classification: Likely benign. Review status: no assertion criteria provided. Collection method: clinical testing. Allele origin: germline. Affected: yes. Study: VKGL Data-share Consensus. Not counted in ClinVar's aggregate classification.

NM_182914.3(SYNE2):c.18039-5T>A

Gene: SYNE2 (spectrin repeat containing nuclear envelope protein 2; plus strand). Cytogenetic location: 14q23.2.
Variant type: single nucleotide variant.
Coding change: c.18039-5T>A on transcript NM_182914.3 (MANE Select); 5 bases into the intron before coding-DNA position 18039, T replaced by A.
Molecular consequence: intron variant.
Genome position (GRCh38, 1-based): chr14:64,202,796, T>A. VCF-style: chr14-64202796-T-A. GRCh37 (hg19) VCF-style: chr14-64669514-T-A.
Other names: c.18039-5T>A (NM_015180.6).
Identifiers: ClinVar variation 193771 (VCV000193771.51), dbSNP rs189611387, ClinGen allele CA239410.